The following is an entry in ClinVar:

NM_002473.6(MYH9):c.170A>T (p.Glu57Val)

Gene: MYH9 (myosin heavy chain 9; minus strand). Cytogenetic location: 22q12.3.
Variant type: single nucleotide variant.
Coding change: c.170A>T on transcript NM_002473.6 (MANE Select); coding-DNA position 170, A replaced by T.
Protein change: p.Glu57Val; replaces glutamic acid 57 with valine.
Molecular consequence: missense variant.
Genome position (GRCh38, 1-based): chr22:36,349,067, T>A on the plus strand (A>T on the coding strand, the complement: MYH9 is on the minus strand). VCF-style: chr22-36349067-T-A. GRCh37 (hg19) VCF-style: chr22-36745112-T-A.
Other names: short protein forms E57V.
Identifiers: ClinVar variation 506261 (VCV000506261.5), dbSNP rs751041617, ClinGen allele CA10210708.

ClinVar aggregate classification (germline): Conflicting classifications of pathogenicity. Review status: criteria provided, conflicting classifications (1 of 4 stars). 2 submissions from 2 submitters: Uncertain significance (1); Benign (1). Last evaluated 2025-12-03.

Allele frequency attached by ClinVar (database versions not stated): gnomAD below 0.00001 and 0.00001; gnomAD exomes 0.00001 and 0.00003; ExAC 0.00004.
gnomAD v4.1: 16 of 1,614,100 alleles (0.00099%); highest among the groups gnomAD compares: South Asian, 0.016%; 1 homozygote.

Submissions (2):

Labcorp Genetics (formerly Invitae), Labcorp
Classification: Benign. Last evaluated: 2025-12-03. Review status: criteria provided, single submitter. Criteria: Invitae Variant Classification Sherloc (09022015). Collection method: clinical testing. Allele origin: germline.

Laboratory for Molecular Medicine, Mass General Brigham Personalized Medicine
Classification: Uncertain significance. Last evaluated: 2018-01-20. Review status: criteria provided, single submitter. Criteria: LMM Criteria. Collection method: clinical testing. Allele origin: germline. Observed: 1 variant allele.
Comment: The p.Glu57Val variant MYH9 has not been previously reported in individuals with hearing loss, but has been identified in 8/30782 South Asian chromosomes, inclu ding a homozygous individual, by the Genome Aggregation Database (gnomAD; dbSNP rs751041617). Although this variant has been s een in the general population, its frequency is not high enough to rule out a pa thogenic role. Computational prediction tools and conservation analysis suggest that the variant may impact the protein, though this information is not predicti ve enough to determine pathogenicity. In summary, the clinical significance of t he p.Glu57Val variant is uncertain. ACMG/AMP criteria applied: PP3.